The following is an entry in ClinVar:

ClinVar aggregate classification (germline): Pathogenic (1 of 4 stars; one submission).

Conditions:
Duchenne muscular dystrophy (DMD). Also called: MUSCULAR DYSTROPHY, PSEUDOHYPERTROPHIC PROGRESSIVE, DUCHENNE TYPE; Duchenne Muscular Dystrophy (DMD). Identifiers: Orphanet 98896, MedGen C0013264, MONDO:0010679, OMIM 310200.

Submission:

Labcorp Genetics (formerly Invitae), Labcorp
Classification: Pathogenic for Duchenne muscular dystrophy. Last evaluated: 2018-11-07. Review status: criteria provided, single submitter. Criteria: Invitae Variant Classification Sherloc (09022015). Collection method: clinical testing. Allele origin: germline.
Comment: For these reasons, this variant has been classified as Pathogenic. Loss-of-function variants in DMD are known to be pathogenic (PMID: 16770791, 25007885). This variant has been observed in 2 individuals likely affected with Duchenne and or Becker muscular dystrophy (PMID: 17726484). This variant is not present in population databases (ExAC no frequency). This sequence change creates a premature translational stop signal (p.Glu12Argfs*18) in the DMD gene. It is expected to result in an absent or disrupted protein product.

Literature cited by the submitters: PubMed 16770791; PubMed 25007885; PubMed 17726484.

NM_004006.3(DMD):c.34_38del (p.Glu12fs)

Gene: DMD (dystrophin; minus strand). Cytogenetic location: Xp21.1.
Variant type: Deletion.
Coding change: c.34_38del on transcript NM_004006.3 (MANE Select); coding-DNA positions 34 to 38, 5 bases deleted (GAAAG; older notation c.34_38delGAAAG).
Protein change: p.Glu12fs; shifts the reading frame from glutamic acid 12.
Molecular consequence: frameshift variant. On other transcripts: 5 prime UTR variant (1).
Genome position (GRCh38, 1-based): chrX:33,020,194-33,020,198, CTTTC deleted on the plus strand (GAAAG on the coding strand, the reverse complement: DMD is on the minus strand). VCF-style (leftmost placement, unchanged base first): chrX-33020193-TCTTTC-T. GRCh37 (hg19) VCF-style: chrX-33038310-TCTTTC-T.
Other names: c.10_14del, p.Glu4fs (NM_000109.4); c.22_26del, p.Glu8fs (NM_004009.3); c.-336_-332del (NM_004010.3); c.34_38delGAAAG (NM_004006.2); short protein forms E4fs, E12fs, E8fs.
Identifiers: ClinVar variation 642306 (VCV000642306.9), dbSNP rs1602766725, ClinGen allele CA915951064.
Genomic context (GRCh38, chrX:33,020,193, plus strand): 5'-TCTTACCTTAGAAAATTGTGCATTTACCCATTTTGTGAATGTTTTCTTTTGAACATCTTC[TCTTTC>T]ATCTAAAATGCAAAATAAAAAAATAAAAGTTAGGAAGCAACTTTAAATATAATTCATATT-3'